The following is an entry in ClinVar:

ClinVar aggregate classification (germline): Pathogenic (1 of 4 stars; one submission).

Conditions:
Hermansky-Pudlak syndrome 2 (HPS2). Also called: Platelet defects and oculocutaneous albinism. Identifiers: Orphanet 183678, Orphanet 79430, MedGen C1842362, MONDO:0011997, OMIM 608233.

Submission:

Dr.Nikuei Genetic Center
Classification: Pathogenic for Hermansky-Pudlak syndrome 2. Review status: criteria provided, single submitter. Criteria: ACMG Guidelines, 2015. Collection method: clinical testing. Allele origin: germline. Inheritance: Autosomal recessive inheritance. Affected: yes.
Comment: This variant is not present in population databases such as ExAC, indicating it is extremely rare. This is predicted to result in an absent or disrupted protein product due to either nonsense-mediated decay (NMD) or the production of a truncated protein. Loss-of-function variants in AP3B1 are well-established as pathogenic and are associated with AP3B1 -related conditions (PMID: 16507770).Although this specific variant has not been reported in the literature in individuals with AP3B1 -related conditions, its predicted deleterious effects align with the known mechanisms of disease-causing variants in this gene. Based on these findings, the variant is classified as pathogenic .

NM_003664.5(AP3B1):c.2514_2515del (p.Pro840fs)

Gene: AP3B1 (adaptor related protein complex 3 subunit beta 1; minus strand). Cytogenetic location: 5q14.1.
Variant type: Deletion.
Coding change: c.2514_2515del on transcript NM_003664.5 (MANE Select); coding-DNA positions 2514 to 2515, 2 bases deleted (TT; older notation c.2514_2515delTT).
Protein change: p.Pro840fs; shifts the reading frame from proline 840.
Molecular consequence: frameshift variant.
Genome position (GRCh38, 1-based): chr5:78,089,455-78,089,456, AA deleted on the plus strand (TT on the coding strand, the reverse complement: AP3B1 is on the minus strand); deleting any 2 consecutive bases within chr5:78,089,455-78,089,457 gives the same sequence; the c. name uses the placement nearest the transcript's 3' end. VCF-style (leftmost placement, unchanged base first): chr5-78089454-GAA-G. GRCh37 (hg19) VCF-style: chr5-77385278-GAA-G.
Other names: c.2367_2368del, p.Pro791fs (NM_001271769.2); c.2514_2515del, p.Pro840fs (NM_001410752.1); short protein forms P791fs, P840fs.
Identifiers: ClinVar variation 3897901 (VCV003897901.1).